The following is an entry in ClinVar:

NC_000011.10:g.47335039C>G

Gene: MYBPC3 (myosin binding protein C3; minus strand). Cytogenetic location: 11p11.2.
Variant type: single nucleotide variant.
Genome position: GRCh38 VCF-style: chr11-47335039-C-G. GRCh37 (hg19) VCF-style: chr11-47356590-C-G.
Other names: c.2905+3G>C (LRG_386t1, NM_000256.3).
Identifiers: ClinVar variation 407329 (VCV000407329.12), dbSNP rs1060501483, ClinGen allele CA16613351.

ClinVar aggregate classification (germline): Conflicting classifications of pathogenicity. Review status: criteria provided, conflicting classifications (1 of 4 stars). 4 submissions from 4 submitters: Likely pathogenic (1); Uncertain significance (3). Last evaluated 2024-02-05.

Conditions:
Cardiovascular phenotype. Identifiers: MedGen CN230736.
Hypertrophic cardiomyopathy. Also called: HYPERTROPHIC MYOCARDIOPATHY. Identifiers: Orphanet 217569, MedGen C0007194, MeSH D002312, MONDO:0005045, HP:0001639.

Allele frequency attached by ClinVar (database versions not stated): gnomAD exomes below 0.00001.
gnomAD v4.1: 1 of 1,530,520 alleles (0.000065%); highest among the groups gnomAD compares: South Asian, 0.0013%; no homozygotes.

Submissions (4):

Labcorp Genetics (formerly Invitae), Labcorp
Classification: Likely pathogenic for Hypertrophic cardiomyopathy. Last evaluated: 2024-02-05. Review status: criteria provided, single submitter. Criteria: Invitae Variant Classification Sherloc (09022015). Collection method: clinical testing. Allele origin: germline.
Comment: This sequence change falls in intron 27 of the MYBPC3 gene. It does not directly change the encoded amino acid sequence of the MYBPC3 protein. It affects a nucleotide within the consensus splice site. This variant is not present in population databases (gnomAD no frequency). This variant has been observed in individuals with hypertrophic cardiomyopathy (Invitae). ClinVar contains an entry for this variant (Variation ID: 407329). Variants that disrupt the consensus splice site are a relatively common cause of aberrant splicing (PMID: 17576681, 9536098). Algorithms developed to predict the effect of sequence changes on RNA splicing suggest that this variant may disrupt the consensus splice site. In summary, the currently available evidence indicates that the variant is pathogenic, but additional data are needed to prove that conclusively. Therefore, this variant has been classified as Likely Pathogenic.

GeneDx
Classification: Uncertain significance. Last evaluated: 2023-05-02. Review status: criteria provided, single submitter. Criteria: GeneDx Variant Classification Process June 2021. Collection method: clinical testing. Allele origin: germline. Affected: yes.
Comment: Has not been previously published as pathogenic or benign to our knowledge; Not observed at significant frequency in large population cohorts (gnomAD); In silico analysis supports a deleterious effect on splicing

Ambry Genetics
Classification: Uncertain significance for Cardiovascular phenotype. Last evaluated: 2020-03-28. Review status: criteria provided, single submitter. Criteria: Ambry Variant Classification Scheme 2023. Collection method: clinical testing. Allele origin: germline.
Comment: The c.2905+3G>C intronic variant results from a G to C substitution 3 nucleotides after coding exon 27 in the MYBPC3 gene. This nucleotide position is well conserved in available vertebrate species. Using two different splice site prediction tools, this alteration is predicted by BDGP to abolish the native splice donor site, but is predicted to weaken (but not abolish) the efficiency of the native splice donor site by ESEfinder; however, direct evidence is unavailable. Since supporting evidence is limited at this time, the clinical significance of this alteration remains unclear.

Stanford Center for Inherited Cardiovascular Disease, Stanford University
Classification: Uncertain significance. Last evaluated: 2017-04-28. Review status: criteria provided, single submitter. Criteria: ACMG Guidelines, 2015. Collection method: provider interpretation. Allele origin: germline.

Literature cited by the submitters: PubMed 17576681 (cited by Labcorp Genetics (formerly Invitae), Labcorp); PubMed 9536098 (cited by Labcorp Genetics (formerly Invitae), Labcorp).